The following is an entry in ClinVar:

NM_003242.6(TGFBR2):c.314A>G (p.Lys105Arg)

Gene: TGFBR2 (transforming growth factor beta receptor 2; plus strand). Cytogenetic location: 3p24.1.
Variant type: single nucleotide variant.
Coding change: c.314A>G on transcript NM_003242.6 (MANE Select); coding-DNA position 314, A replaced by G.
Protein change: p.Lys105Arg; replaces lysine 105 with arginine.
Molecular consequence: missense variant. On other transcripts: intron variant (2).
Genome position (GRCh38, 1-based): chr3:30,650,320, A>G. VCF-style: chr3-30650320-A-G. GRCh37 (hg19) VCF-style: chr3-30691812-A-G.
Other names: c.389A>G, p.Lys130Arg (NM_001024847.3, NM_001407126.1, NM_001407139.1); c.314A>G, p.Lys105Arg (NM_001407127.1, NM_001407130.1); c.341A>G, p.Lys114Arg (NM_001407128.1); c.209A>G, p.Lys70Arg (NM_001407129.1, NM_001407132.1, NM_001407133.1 and 3 more transcripts); c.170-21318A>G (NM_001407137.1); c.95-21318A>G (NM_001407138.1); short protein forms K105R, K114R, K130R, K70R.
Identifiers: ClinVar variation 3455840 (VCV003455840.2).

ClinVar aggregate classification (germline): Uncertain significance. Review status: criteria provided, multiple submitters, no conflicts (2 of 4 stars). 2 submissions from 2 submitters: Uncertain significance (2). Last evaluated 2025-08-13.

Conditions:
Familial thoracic aortic aneurysm and aortic dissection (TAAD). Also called: Thoracic aortic aneurysms and dissections. Identifiers: Orphanet 91387, MedGen C4707243, MONDO:0019625.

Submissions (2):

Labcorp Genetics (formerly Invitae), Labcorp
Classification: Uncertain significance for Familial thoracic aortic aneurysm and aortic dissection. Last evaluated: 2025-08-13. Review status: criteria provided, single submitter. Criteria: Invitae Variant Classification Sherloc (09022015). Collection method: clinical testing. Allele origin: germline.
Comment: This sequence change replaces lysine, which is basic and polar, with arginine, which is basic and polar, at codon 105 of the TGFBR2 protein (p.Lys105Arg). This variant is not present in population databases (gnomAD no frequency). This variant has not been reported in the literature in individuals affected with TGFBR2-related conditions. ClinVar contains an entry for this variant (Variation ID: 3455840). Invitae Evidence Modeling of protein sequence and biophysical properties (such as structural, functional, and spatial information, amino acid conservation, physicochemical variation, residue mobility, and thermodynamic stability) indicates that this missense variant is not expected to disrupt TGFBR2 protein function with a negative predictive value of 95%. In summary, the available evidence is currently insufficient to determine the role of this variant in disease. Therefore, it has been classified as a Variant of Uncertain Significance.

Ambry Genetics
Classification: Uncertain significance for Familial thoracic aortic aneurysm and aortic dissection. Last evaluated: 2024-09-30. Review status: criteria provided, single submitter. Criteria: Ambry Variant Classification Scheme 2023. Collection method: clinical testing. Allele origin: germline.
Comment: The p.K105R variant (also known as c.314A>G), located in coding exon 3 of the TGFBR2 gene, results from an A to G substitution at nucleotide position 314. The lysine at codon 105 is replaced by arginine, an amino acid with highly similar properties. This amino acid position is conserved. In addition, this alteration is predicted to be tolerated by in silico analysis. Based on the available evidence, the clinical significance of this variant remains unclear.